The following is an entry in ClinVar:

NM_001267550.2(TTN):c.104675G>A (p.Ser34892Asn)

Genes: TTN-AS1 (TTN antisense RNA 1; plus strand), TTN (titin; minus strand). Cytogenetic location: 2q31.2.
Variant type: single nucleotide variant.
Coding change: c.104675G>A on transcript NM_001267550.2 (MANE Select); coding-DNA position 104675, G replaced by A.
Protein change: p.Ser34892Asn; replaces serine 34892 with asparagine.
Molecular consequence: missense variant.
Genome position (GRCh38, 1-based): chr2:178,531,940, C>T on the plus strand (G>A on the coding strand, the complement: TTN is on the minus strand). VCF-style: chr2-178531940-C-T. GRCh37 (hg19) VCF-style: chr2-179396667-C-T.
Other names: c.77480G>A, p.Ser25827Asn (NM_003319.4); c.96971G>A, p.Ser32324Asn (NM_133378.4); c.77855G>A, p.Ser25952Asn (NM_133432.3); c.99752G>A, p.Ser33251Asn (NM_001256850.1); c.78056G>A, p.Ser26019Asn (NM_133437.4); short protein forms S25952N, S32324N, S34892N, S25827N, S26019N, S33251N.
Identifiers: ClinVar variation 2202349 (VCV002202349.4), dbSNP rs2468430482, ClinGen allele CA349411171.
Genomic context (GRCh38, chr2:178,531,940, plus strand): 5'-TCATACCTGGAAAAGATATCAAATCTTGCAGACCTCTCAAATCTCGAGAGTGATCTCTCA[C>T]TAGACACAGGGCTGGGGGATCGTGGGCGAGTTCTCTCTGGAGTAGGTGACCTTCTTTCTG-3'
Protein context (NP_001254479.2, residues 34882-34902): TRPRSPSPVS[Ser34892Asn]ERSLSRFERS

ClinVar aggregate classification (germline): Uncertain significance (1 of 4 stars; one submission).

Conditions:
Dilated cardiomyopathy 1G (CMD1G). Identifiers: Orphanet 154, MedGen C1858763, MONDO:0011400, OMIM 604145.
Autosomal recessive limb-girdle muscular dystrophy type 2J (LGMDR10). Also called: Limb-girdle muscular dystrophy, type 2J; MUSCULAR DYSTROPHY, LIMB-GIRDLE, AUTOSOMAL RECESSIVE 10. Identifiers: Orphanet 140922, MedGen C1837342, MONDO:0012127, OMIM 608807.

Submission:

Labcorp Genetics (formerly Invitae), Labcorp
Classification: Uncertain significance for Dilated cardiomyopathy 1G; Autosomal recessive limb-girdle muscular dystrophy type 2J. Last evaluated: 2022-07-24. Review status: criteria provided, single submitter. Criteria: Invitae Variant Classification Sherloc (09022015). Collection method: clinical testing. Allele origin: germline.
Comment: This variant is not present in population databases (gnomAD no frequency). In summary, the available evidence is currently insufficient to determine the role of this variant in disease. Therefore, it has been classified as a Variant of Uncertain Significance. Experimental studies and prediction algorithms are not available or were not evaluated, and the functional significance of this variant is currently unknown. This variant has not been reported in the literature in individuals affected with TTN-related conditions. This sequence change replaces serine, which is neutral and polar, with asparagine, which is neutral and polar, at codon 34892 of the TTN protein (p.Ser34892Asn). This variant is located in the M band of TTN (PMID: 25589632). Variants in this region may be relevant for neuromuscular disorders, but have not been definitively shown to cause cardiomyopathy (PMID: 23975875).

Literature cited by the submitters: PubMed 25589632; PubMed 23975875.